The following is an entry in ClinVar:

ClinVar aggregate classification (germline): Uncertain significance (1 of 4 stars; one submission).

Conditions:
Inborn genetic diseases. Identifiers: MedGen C0950123, MeSH D030342.

Submission:

Ambry Genetics
Classification: Uncertain significance for Inborn genetic diseases. Last evaluated: 2021-04-06. Review status: criteria provided, single submitter. Criteria: Ambry Variant Classification Scheme 2023. Collection method: clinical testing. Allele origin: germline.
Comment: The c.26C>A (p.T9N) alteration is located in exon 1 (coding exon 1) of the DLG4 gene. This alteration results from a C to A substitution at nucleotide position 26, causing the threonine (T) at amino acid position 9 to be replaced by an asparagine (N). Based on data from the Genome Aggregation Database (gnomAD), the DLG4 c.26C>A alteration was not observed, with coverage at this position. The p.T9 amino acid is conserved in available vertebrate species. The p.T9N alteration is predicted to be tolerated by in silico analysis. Based on insufficient or conflicting evidence, the clinical significance of this alteration remains unclear.

NM_001321075.3(DLG4):c.26C>A (p.Thr9Asn)

Gene: DLG4 (discs large MAGUK scaffold protein 4; minus strand). Cytogenetic location: 17p13.1.
Variant type: single nucleotide variant.
Coding change: c.26C>A on transcript NM_001321075.3 (MANE Select); coding-DNA position 26, C replaced by A.
Protein change: p.Thr9Asn; replaces threonine 9 with asparagine.
Molecular consequence: missense variant. On other transcripts: intron variant (2).
Genome position (GRCh38, 1-based): chr17:7,217,122, G>T on the plus strand (C>A on the coding strand, the complement: DLG4 is on the minus strand). VCF-style: chr17-7217122-G-T. GRCh37 (hg19) VCF-style: chr17-7120441-G-T.
Other names: c.26C>A, p.Thr9Asn (NM_001128827.4); c.159+1119C>A (NM_001365.5, NM_001321074.1); short protein forms T9N.
Identifiers: ClinVar variation 2204633 (VCV002204633.2), dbSNP rs2508170756, ClinGen allele CA397721172.